The following is an entry in ClinVar:

ClinVar aggregate classification (germline): Uncertain significance. Review status: criteria provided, multiple submitters, no conflicts (2 of 4 stars). 3 submissions from 3 submitters: Uncertain significance (3). Last evaluated 2025-02-11.

Conditions:
Inborn genetic diseases. Identifiers: MedGen C0950123, MeSH D030342.

Allele frequency attached by ClinVar (database versions not stated): gnomAD 0.00001.
gnomAD v4.1: 8 of 1,614,048 alleles (0.0005%); highest among the groups gnomAD compares: Admixed American, 0.0033%; no homozygotes.

Submissions (3):

Labcorp Genetics (formerly Invitae), Labcorp
Classification: Uncertain significance. Last evaluated: 2025-02-11. Review status: criteria provided, single submitter. Criteria: Invitae Variant Classification Sherloc (09022015). Collection method: clinical testing. Allele origin: germline.
Comment: This sequence change replaces arginine, which is basic and polar, with histidine, which is basic and polar, at codon 573 of the KCNH1 protein (p.Arg573His). This variant is not present in population databases (gnomAD no frequency). This variant has not been reported in the literature in individuals affected with KCNH1-related conditions. ClinVar contains an entry for this variant (Variation ID: 1195149). Invitae Evidence Modeling of protein sequence and biophysical properties (such as structural, functional, and spatial information, amino acid conservation, physicochemical variation, residue mobility, and thermodynamic stability) has been performed for this missense variant. However, the output from this modeling did not meet the statistical confidence thresholds required to predict the impact of this variant on KCNH1 protein function. In summary, the available evidence is currently insufficient to determine the role of this variant in disease. Therefore, it has been classified as a Variant of Uncertain Significance.

Ambry Genetics
Classification: Uncertain significance for Inborn genetic diseases. Last evaluated: 2025-02-07. Review status: criteria provided, single submitter. Criteria: Ambry Variant Classification Scheme 2023. Collection method: clinical testing. Allele origin: germline.

GeneDx
Classification: Uncertain significance. Last evaluated: 2020-08-04. Review status: criteria provided, single submitter. Criteria: GeneDx Variant Classification Process June 2021. Collection method: clinical testing. Allele origin: germline. Affected: yes.
Comment: Not observed in large population cohorts (Lek et al., 2016); In silico analysis, which includes protein predictors and evolutionary conservation, supports a deleterious effect; Has not been previously published as pathogenic or benign to our knowledge

NM_172362.3(KCNH1):c.1718G>A (p.Arg573His)

Gene: KCNH1 (potassium voltage-gated channel subfamily H member 1; minus strand). Cytogenetic location: 1q32.2.
Variant type: single nucleotide variant.
Coding change: c.1718G>A on transcript NM_172362.3 (MANE Select); coding-DNA position 1718, G replaced by A.
Protein change: p.Arg573His; replaces arginine 573 with histidine.
Molecular consequence: missense variant.
Genome position (GRCh38, 1-based): chr1:210,797,705, C>T on the plus strand (G>A on the coding strand, the complement: KCNH1 is on the minus strand). VCF-style: chr1-210797705-C-T. GRCh37 (hg19) VCF-style: chr1-210971047-C-T.
Other names: c.1637G>A, p.Arg546His (NM_002238.4); short protein forms R546H, R573H.
Identifiers: ClinVar variation 1195149 (VCV001195149.8), dbSNP rs1298982867, ClinGen allele CA344872764.